The following is an entry in ClinVar:

ClinVar aggregate classification (germline): Uncertain significance. Review status: criteria provided, multiple submitters, no conflicts (2 of 4 stars). 3 submissions from 2 submitters: Uncertain significance (3). Last evaluated 2022-02-18.

Conditions:
Cone-rod dystrophy 13 (CORD13). Identifiers: Orphanet 1872, MedGen C2750720, MONDO:0011987, OMIM 608194.
Leber congenital amaurosis 6 (LCA6). Identifiers: Orphanet 65, MedGen C1854260, MONDO:0013446, OMIM 613826.

Allele frequency attached by ClinVar (database versions not stated): gnomAD 0.00002; TOPMed 0.00002; ExAC 0.00003; gnomAD exomes 0.00003 and 0.00005; ESP Exome Variant Server 0.00017.
gnomAD v4.1: 67 of 1,607,020 alleles (0.0042%); highest among the groups gnomAD compares: Admixed American, 0.0068%; no homozygotes.

Submissions (3):

Labcorp Genetics (formerly Invitae), Labcorp
Classification: Uncertain significance for Leber congenital amaurosis 6; Cone-rod dystrophy 13. Last evaluated: 2022-02-18. Review status: criteria provided, single submitter. Criteria: Invitae Variant Classification Sherloc (09022015). Collection method: clinical testing. Allele origin: germline.
Comment: This sequence change replaces glutamic acid, which is acidic and polar, with lysine, which is basic and polar, at codon 1254 of the RPGRIP1 protein (p.Glu1254Lys). This variant is present in population databases (rs370728861, gnomAD 0.01%). This variant has not been reported in the literature in individuals affected with RPGRIP1-related conditions. ClinVar contains an entry for this variant (Variation ID: 883958). Algorithms developed to predict the effect of missense changes on protein structure and function output the following: SIFT: "Tolerated"; PolyPhen-2: "Benign"; Align-GVGD: "Class C0". The lysine amino acid residue is found in multiple mammalian species, which suggests that this missense change does not adversely affect protein function. In summary, the available evidence is currently insufficient to determine the role of this variant in disease. Therefore, it has been classified as a Variant of Uncertain Significance.

Illumina Laboratory Services, Illumina
Classification: Uncertain significance for Cone-rod dystrophy 13. Last evaluated: 2018-01-12. Review status: criteria provided, single submitter. Criteria: ICSL Variant Classification Criteria 13 December 2019. Collection method: clinical testing. Allele origin: germline.

Illumina Laboratory Services, Illumina
Classification: Uncertain significance for Leber congenital amaurosis 6. Last evaluated: 2018-01-12. Review status: criteria provided, single submitter. Criteria: ICSL Variant Classification Criteria 13 December 2019. Collection method: clinical testing. Allele origin: germline.

NM_020366.4(RPGRIP1):c.3760G>A (p.Glu1254Lys)

Gene: RPGRIP1 (RPGR interacting protein 1; plus strand). Cytogenetic location: 14q11.2.
Variant type: single nucleotide variant.
Coding change: c.3760G>A on transcript NM_020366.4 (MANE Select); coding-DNA position 3760, G replaced by A.
Protein change: p.Glu1254Lys; replaces glutamic acid 1254 with lysine.
Molecular consequence: missense variant.
Genome position (GRCh38, 1-based): chr14:21,351,115, G>A. VCF-style: chr14-21351115-G-A. GRCh37 (hg19) VCF-style: chr14-21819274-G-A.
Other names: c.1738G>A, p.Glu580Lys (NM_001377523.1, NM_001377950.1); c.2686G>A, p.Glu896Lys (NM_001377948.1); c.1846G>A, p.Glu616Lys (NM_001377949.1); c.1243G>A, p.Glu415Lys (NM_001377951.1); short protein forms E1254K, E415K, E616K, E896K, E580K.
Identifiers: ClinVar variation 883958 (VCV000883958.6), dbSNP rs370728861, ClinGen allele CA7089613.
Genomic context (GRCh38, chr14:21,351,115, plus strand): 5'-TATCAAAGTGTTCAACTGAGTGATGCTGTTTTTTTCCCTTTCCCAACAGTTGTTAGCCCT[G>A]AAGATCTGGCTACCCCAATAGGAAGGCTGAAGGTTTCCCTTCAAGCAGCTGCTGTCCTCC-3'
Protein context (NP_065099.3, residues 1244-1264): LEQELDIVSP[Glu1254Lys]DLATPIGRLK